The following is an entry in ClinVar:

NM_003640.5(ELP1):c.2310_2313del (p.Phe770fs)

Gene: ELP1 (elongator acetyltransferase complex subunit 1; minus strand). Cytogenetic location: 9q31.3.
Variant type: Deletion.
Coding change: c.2310_2313del on transcript NM_003640.5 (MANE Select); coding-DNA positions 2310 to 2313, 4 bases deleted (CATT; older notation c.2310_2313delCATT).
Protein change: p.Phe770fs; shifts the reading frame from phenylalanine 770.
Molecular consequence: frameshift variant.
Genome position (GRCh38, 1-based): chr9:108,898,552-108,898,555, AATG deleted on the plus strand (CATT on the coding strand, the reverse complement: ELP1 is on the minus strand); deleting any 4 consecutive bases within chr9:108,898,552-108,898,557 gives the same sequence; the c. name uses the placement nearest the transcript's 3' end. VCF-style (leftmost placement, unchanged base first): chr9-108898551-TAATG-T. GRCh37 (hg19) VCF-style: chr9-111660831-TAATG-T.
Other names: c.1968_1971del, p.Phe656fs (NM_001318360.2); c.1263_1266del, p.Phe421fs (NM_001330749.2); short protein forms F421fs, F656fs, F770fs.
Identifiers: ClinVar variation 4815194 (VCV004815194.1).
Genomic context (GRCh38, chr9:108,898,551, plus strand): 5'-AAAATACTTACTTCAATTCTGTAAAAAACAAGTTAATATGATTCACAGAATCTATCTGTT[TAATG>T]AAGGTTTCCACATTTCCAAGAAACACCTACCAAAAAAAGGACAAAACATCTTCGTTCAGA-3'

ClinVar aggregate classification (germline): Likely pathogenic (1 of 4 stars; one submission).

Conditions:
Familial dysautonomia. Also called: HSAN III; FD. Identifiers: Orphanet 1764, MedGen C0013364, MONDO:0009131, OMIM 223900. Disease mechanism: loss of function.

Submission:

Natera, Inc.
Classification: Likely pathogenic for Familial dysautonomia. Last evaluated: 2024-04-05. Review status: criteria provided, single submitter. Criteria: Natera Variant Classification Schema (03/2026). Collection method: clinical testing. Allele origin: germline.
Comment: The c.2310_2313delCATT variant in ELP1 is a frameshift variant predicted to shift the reading frame beginning at codon 770 and leads to a stop codon 4 codons downstream. This variant is expected to result in nonsense mediated decay, truncation, or a dysfunctional protein product. This variant is rare in the general population with a frequency below the threshold expected for the associated phenotype(s). Given the available evidence, this variant is classified as Likely Pathogenic.